The following is an entry in ClinVar:

ClinVar aggregate classification (germline): Uncertain significance (1 of 4 stars; one submission).

Conditions:
Cardiovascular phenotype. Identifiers: MedGen CN230736.

Allele frequency attached by ClinVar (database versions not stated): gnomAD exomes 0.00004; ExAC 0.00005; ESP Exome Variant Server 0.00008; gnomAD 0.00011; TOPMed 0.00011.
gnomAD v4.1: 31 of 1,613,538 alleles (0.0019%); highest among the groups gnomAD compares: African/African-American, 0.031%; no homozygotes.

Submission:

Ambry Genetics
Classification: Uncertain significance for Cardiovascular phenotype. Last evaluated: 2016-02-01. Review status: criteria provided, single submitter. Criteria: Ambry Variant Classification Scheme 2023. Collection method: clinical testing. Allele origin: germline.
Comment: The p.L2543F variant (also known as c.7629G>T), located in coding exon 31 of the TTN gene, results from a G to T substitution at nucleotide position 7629. The leucine at codon 2543 is replaced by phenylalanine, an amino acid with highly similar properties. This variant was previously reported in the SNPDatabase as rs372080212. Based on data from the NHLBI Exome Sequencing Project (ESP), the T allele has an overall frequency of approximately 0.01% (1/13004) total alleles studied, having been observed in 0.02% (1/4406) African American alleles. Based on data from ExAC, the T allele has an overall frequency of approximately 0.005% (6/120324). The highest observed frequency was 0.05% (5/10074) of African alleles (Exome Aggregation Consortium (ExAC), Cambridge, MA (URL) [Accessed February 1, 2016]). This amino acid position is highly conserved in available vertebrate species. In addition, this alteration is predicted to be tolerated by in silico analysis. Since supporting evidence is limited at this time, the clinical significance of this alteration remains unclear.

NM_001267550.2(TTN):c.7767G>T (p.Leu2589Phe)

Gene: TTN (titin; minus strand). Cytogenetic location: 2q31.2.
Variant type: single nucleotide variant.
Coding change: c.7767G>T on transcript NM_001267550.2 (MANE Select); coding-DNA position 7767, G replaced by T.
Protein change: p.Leu2589Phe; replaces leucine 2589 with phenylalanine.
Molecular consequence: missense variant.
Genome position (GRCh38, 1-based): chr2:178,773,197, C>A on the plus strand (G>T on the coding strand, the complement: TTN is on the minus strand). VCF-style: chr2-178773197-C-A. GRCh37 (hg19) VCF-style: chr2-179637924-C-A.
Other names: c.7629G>T, p.Leu2543Phe (NM_003319.4, NM_133432.3, NM_133437.4); c.7767G>T, p.Leu2589Phe (NM_001256850.1, NM_133378.4, NM_133379.5); short protein forms L2543F, L2589F.
Identifiers: ClinVar variation 518901 (VCV000518901.5), dbSNP rs372080212, ClinGen allele CA2004758.